The following is an entry in ClinVar:

NM_001852.4(COL9A2):c.791C>T (p.Pro264Leu)

Gene: COL9A2 (collagen type IX alpha 2 chain; minus strand). Cytogenetic location: 1p34.2.
Variant type: single nucleotide variant.
Coding change: c.791C>T on transcript NM_001852.4 (MANE Select); coding-DNA position 791, C replaced by T.
Protein change: p.Pro264Leu; replaces proline 264 with leucine.
Molecular consequence: missense variant.
Genome position (GRCh38, 1-based): chr1:40,310,112, G>A on the plus strand (C>T on the coding strand, the complement: COL9A2 is on the minus strand). VCF-style: chr1-40310112-G-A. GRCh37 (hg19) VCF-style: chr1-40775784-G-A.
Other names: c.791C>T (NM_001852.3); short protein forms P264L.
Identifiers: ClinVar variation 1507978 (VCV001507978.8), dbSNP rs534724125, ClinGen allele CA791755.

ClinVar aggregate classification (germline): Uncertain significance. Review status: criteria provided, multiple submitters, no conflicts (2 of 4 stars). 3 submissions from 3 submitters: Uncertain significance (3). Last evaluated 2025-12-24.

Conditions:
Inborn genetic diseases. Identifiers: MedGen C0950123, MeSH D030342.

Allele frequency attached by ClinVar (database versions not stated): gnomAD 0.00002 and 0.00003; TOPMed 0.00002; gnomAD exomes 0.00003 and 0.00005; ExAC 0.00008; 1000 Genomes Project 30x 0.00016; 1000 Genomes Project 0.00020.
gnomAD v4.1: 52 of 1,614,008 alleles (0.0032%); highest among the groups gnomAD compares: South Asian, 0.019%; 1 homozygote.

Submissions (3):

Labcorp Genetics (formerly Invitae), Labcorp
Classification: Uncertain significance. Last evaluated: 2025-12-24. Review status: criteria provided, single submitter. Criteria: Invitae Variant Classification Sherloc (09022015). Collection method: clinical testing. Allele origin: germline.
Comment: This sequence change replaces proline, which is neutral and non-polar, with leucine, which is neutral and non-polar, at codon 264 of the COL9A2 protein (p.Pro264Leu). This variant is present in population databases (rs534724125, gnomAD 0.02%). This variant has not been reported in the literature in individuals affected with COL9A2-related conditions. ClinVar contains an entry for this variant (Variation ID: 1507978). An algorithm developed to predict the effect of missense changes on protein structure and function (PolyPhen-2) suggests that this variant is likely to be disruptive. In summary, the available evidence is currently insufficient to determine the role of this variant in disease. Therefore, it has been classified as a Variant of Uncertain Significance.

Ambry Genetics
Classification: Uncertain significance for Inborn genetic diseases. Last evaluated: 2024-12-24. Review status: criteria provided, single submitter. Criteria: Ambry Variant Classification Scheme 2023. Collection method: clinical testing. Allele origin: germline.

Blueprint Genetics
Classification: Uncertain significance. Last evaluated: 2022-10-15. Review status: criteria provided, single submitter. Criteria: ACMG Guidelines, 2015. Collection method: clinical testing. Allele origin: germline.